The following is an entry in ClinVar:

NM_001374353.1(GLI2):c.119C>T (p.Ala40Val)

Gene: GLI2 (GLI family zinc finger 2; plus strand). Cytogenetic location: 2q14.2.
Variant type: single nucleotide variant.
Coding change: c.119C>T on transcript NM_001374353.1 (MANE Select); coding-DNA position 119, C replaced by T.
Protein change: p.Ala40Val; replaces alanine 40 with valine.
Molecular consequence: missense variant. On other transcripts: 5 prime UTR variant (1).
Genome position (GRCh38, 1-based): chr2:120,797,439, C>T. VCF-style: chr2-120797439-C-T. GRCh37 (hg19) VCF-style: chr2-121555015-C-T.
Other names: c.119C>T, p.Ala40Val (NM_001371271.1, NM_005270.5); c.-151C>T (NM_001374354.1); short protein forms A40V.
Identifiers: ClinVar variation 3907518 (VCV003907518.2).

ClinVar aggregate classification (germline): Uncertain significance. Review status: criteria provided, multiple submitters, no conflicts (2 of 4 stars). 2 submissions from 2 submitters: Uncertain significance (2). Last evaluated 2025-08-25.

Conditions:
Postaxial polydactyly-anterior pituitary anomalies-facial dysmorphism syndrome. Also called: Culler-Jones syndrome. Identifiers: Orphanet 420584, MedGen C4014479, MONDO:0014369, OMIM 615849.
Holoprosencephaly 9 (HPE9). Also called: PITUITARY ANOMALIES WITH HOLOPROSENCEPHALY-LIKE FEATURES; HOLOPROSENCEPHALY WITH MICROPHTHALMIA AND FIRST BRANCHIAL ARCH ANOMALIES. Identifiers: Orphanet 2162, MedGen C1835819, MONDO:0012563, OMIM 610829.

gnomAD v4.1: 90 of 1,613,922 alleles (0.0056%); highest among the groups gnomAD compares: Non-Finnish European, 0.0067%; no homozygotes.

Submissions (2):

Labcorp Genetics (formerly Invitae), Labcorp
Classification: Uncertain significance for Postaxial polydactyly-anterior pituitary anomalies-facial dysmorphism syndrome; Holoprosencephaly 9. Last evaluated: 2025-08-25. Review status: criteria provided, single submitter. Criteria: Invitae Variant Classification Sherloc (09022015). Collection method: clinical testing. Allele origin: germline.
Comment: This sequence change replaces alanine, which is neutral and non-polar, with valine, which is neutral and non-polar, at codon 40 of the GLI2 protein (p.Ala40Val). This variant is present in population databases (rs146868972, gnomAD 0.006%). This variant has not been reported in the literature in individuals affected with GLI2-related conditions. ClinVar contains an entry for this variant (Variation ID: 3907518). An algorithm developed to predict the effect of missense changes on protein structure and function outputs the following: PolyPhen-2: "Benign". The valine amino acid residue is found in multiple mammalian species, which suggests that this missense change does not adversely affect protein function. In summary, the available evidence is currently insufficient to determine the role of this variant in disease. Therefore, it has been classified as a Variant of Uncertain Significance.

Women's Health and Genetics/Laboratory Corporation of America, LabCorp
Classification: Uncertain significance. Last evaluated: 2025-06-26. Review status: criteria provided, single submitter. Criteria: LabCorp Variant Classification Summary - May 2015. Collection method: clinical testing. Allele origin: germline.
Comment: Variant summary: GLI2 c.119C>T (p.Ala40Val) results in a non-conservative amino acid change in the encoded protein sequence. Algorithms developed to predict the effect of missense changes on protein structure and function are either unavailable or do not agree on the potential impact of this missense change. The variant allele was found at a frequency of 2.8e-05 in 250758 control chromosomes. The available data on variant occurrences in the general population are insufficient to allow any conclusion about variant significance. To our knowledge, no occurrence of c.119C>T in individuals affected with GLI2-Related Disorders and no experimental evidence demonstrating its impact on protein function have been reported. No submitters have cited clinical-significance assessments for this variant to ClinVar. Based on the evidence outlined above, the variant was classified as uncertain significance.